The following is an entry in ClinVar:

ClinVar aggregate classification (germline): Uncertain significance. Review status: criteria provided, multiple submitters, no conflicts (2 of 4 stars). 2 submissions from 2 submitters: Uncertain significance (2). Last evaluated 2025-03-05.

Conditions:
Long QT syndrome (LQTS). Identifiers: MedGen C0023976, MeSH D008133, MONDO:0002442. Disease mechanism: loss of function. Inheritance: Various modes of inheritance.

gnomAD v4.1: 1 of 1,613,444 alleles (0.000062%); highest among the groups gnomAD compares: South Asian, 0.0011%; no homozygotes.

Submissions (2):

Labcorp Genetics (formerly Invitae), Labcorp
Classification: Uncertain significance for Long QT syndrome. Last evaluated: 2025-03-05. Review status: criteria provided, single submitter. Criteria: Invitae Variant Classification Sherloc (09022015). Collection method: clinical testing. Allele origin: germline.
Comment: This sequence change replaces glutamine, which is neutral and polar, with histidine, which is basic and polar, at codon 376 of the KCNQ1 protein (p.Gln376His). This variant also falls at the last nucleotide of exon 8, which is part of the consensus splice site for this exon. This variant is not present in population databases (gnomAD no frequency). This variant has not been reported in the literature in individuals affected with KCNQ1-related conditions. ClinVar contains an entry for this variant (Variation ID: 928773). Invitae Evidence Modeling of protein sequence and biophysical properties (such as structural, functional, and spatial information, amino acid conservation, physicochemical variation, residue mobility, and thermodynamic stability) indicates that this missense variant is expected to disrupt KCNQ1 protein function with a positive predictive value of 95%. Variants that disrupt the consensus splice site are a relatively common cause of aberrant splicing (PMID: 17576681, 9536098). Algorithms developed to predict the effect of sequence changes on RNA splicing suggest that this variant may disrupt the consensus splice site. In summary, the available evidence is currently insufficient to determine the role of this variant in disease. Therefore, it has been classified as a Variant of Uncertain Significance.

Women's Health and Genetics/Laboratory Corporation of America, LabCorp
Classification: Uncertain significance. Last evaluated: 2019-09-03. Review status: criteria provided, single submitter. Criteria: LabCorp Variant Classification Summary - May 2015. Collection method: clinical testing. Allele origin: germline.
Comment: Variant summary: KCNQ1 c.1128G>T (p.Gln376His) results in a non-conservative amino acid change in the encoded protein sequence. Five of five in-silico tools predict a damaging effect of the variant on protein function. The variant also alters a conserved nucleotide located close to a canonical splice site (i.e. the last nucleotide of exon 8) and therefore could affect mRNA splicing, leading to a significantly altered protein sequence. Several computational tools predict a significant impact on normal splicing: three predict the variant abolishes the 5' splicing donor site, while two predict the variant weakens it. However, these predictions have yet to be confirmed by functional studies. The variant was absent in 250862 control chromosomes (gnomAD). The available data on variant occurrences in the general population are insufficient to allow any conclusion about variant significance. To our knowledge, no occurrence of c.1128G>T in individuals affected with Arrhythmia and no experimental evidence demonstrating its impact on protein function have been reported. No clinical diagnostic laboratories have submitted clinical-significance assessments for this variant to ClinVar after 2014. Based on the evidence outlined above, the variant was classified as uncertain significance.

Literature cited by the submitters: PubMed 17576681 (cited by Labcorp Genetics (formerly Invitae), Labcorp); PubMed 9536098 (cited by Labcorp Genetics (formerly Invitae), Labcorp).

NM_000218.3(KCNQ1):c.1128G>T (p.Gln376His)

Gene: KCNQ1 (potassium voltage-gated channel subfamily Q member 1; plus strand). Cytogenetic location: 11p15.5.
Variant type: single nucleotide variant.
Coding change: c.1128G>T on transcript NM_000218.3 (MANE Select); coding-DNA position 1128, G replaced by T.
Protein change: p.Gln376His; replaces glutamine 376 with histidine.
Molecular consequence: missense variant.
Genome position (GRCh38, 1-based): chr11:2,585,307, G>T. VCF-style: chr11-2585307-G-T. GRCh37 (hg19) VCF-style: chr11-2606537-G-T.
Other names: c.858G>T, p.Gln286His (NM_001406837.1); c.747G>T, p.Gln249His (NM_181798.2); short protein forms Q249H, Q376H, Q286H.
Identifiers: ClinVar variation 928773 (VCV000928773.4), dbSNP rs1848577607, ClinGen allele CA379133990.